The following is an entry in ClinVar:

NM_001384732.1(CPLANE1):c.8725C>T (p.Leu2909Phe)

Gene: CPLANE1 (ciliogenesis and planar polarity effector complex subunit 1; minus strand). Cytogenetic location: 5p13.2.
Variant type: single nucleotide variant.
Coding change: c.8725C>T on transcript NM_001384732.1 (MANE Select); coding-DNA position 8725, C replaced by T.
Protein change: p.Leu2909Phe; replaces leucine 2909 with phenylalanine.
Molecular consequence: missense variant.
Genome position (GRCh38, 1-based): chr5:37,138,787, G>A on the plus strand (C>T on the coding strand, the complement: CPLANE1 is on the minus strand). VCF-style: chr5-37138787-G-A. GRCh37 (hg19) VCF-style: chr5-37138889-G-A.
Other names: c.8563C>T, p.Leu2855Phe (NM_023073.4); short protein forms L2909F, L2855F.
Identifiers: ClinVar variation 1434502 (VCV001434502.5), dbSNP rs1254666516, ClinGen allele CA359505486.

ClinVar aggregate classification (germline): Uncertain significance (1 of 4 stars; one submission).

Allele frequency attached by ClinVar (database versions not stated): gnomAD 0.00001; TOPMed below 0.00001.
gnomAD v4.1: 1 of 1,613,014 alleles (0.000062%); no homozygotes.

Submission:

Labcorp Genetics (formerly Invitae), Labcorp
Classification: Uncertain significance. Last evaluated: 2025-02-03. Review status: criteria provided, single submitter. Criteria: Invitae Variant Classification Sherloc (09022015). Collection method: clinical testing. Allele origin: germline.
Comment: This sequence change replaces leucine, which is neutral and non-polar, with phenylalanine, which is neutral and non-polar, at codon 2855 of the CPLANE1 protein (p.Leu2855Phe). This variant is not present in population databases (gnomAD no frequency). This variant has not been reported in the literature in individuals affected with CPLANE1-related conditions. ClinVar contains an entry for this variant (Variation ID: 1434502). Invitae Evidence Modeling of protein sequence and biophysical properties (such as structural, functional, and spatial information, amino acid conservation, physicochemical variation, residue mobility, and thermodynamic stability) indicates that this missense variant is not expected to disrupt CPLANE1 protein function with a negative predictive value of 95%. In summary, the available evidence is currently insufficient to determine the role of this variant in disease. Therefore, it has been classified as a Variant of Uncertain Significance.